The following is an entry in ClinVar:

NM_144670.6(A2ML1):c.1634T>A (p.Val545Asp)

Gene: A2ML1 (alpha-2-macroglobulin like 1; plus strand). Cytogenetic location: 12p13.31.
Variant type: single nucleotide variant.
Coding change: c.1634T>A on transcript NM_144670.6 (MANE Select); coding-DNA position 1634, T replaced by A.
Protein change: p.Val545Asp; replaces valine 545 with aspartic acid.
Molecular consequence: missense variant.
Genome position (GRCh38, 1-based): chr12:8,846,173, T>A. VCF-style: chr12-8846173-T-A. GRCh37 (hg19) VCF-style: chr12-8998769-T-A.
Other names: c.161T>A, p.Val54Asp (NM_001282424.3); short protein forms V54D, V545D.
Identifiers: ClinVar variation 1776901 (VCV001776901.4), dbSNP rs891420863, ClinGen allele CA232680621.

ClinVar aggregate classification (germline): Uncertain significance. Review status: criteria provided, multiple submitters, no conflicts (2 of 4 stars). 2 submissions from 2 submitters: Uncertain significance (2). Last evaluated 2025-07-23.

Allele frequency attached by ClinVar (database versions not stated): gnomAD 0.00001; TOPMed 0.00002.
gnomAD v4.1: 3 of 1,614,040 alleles (0.00019%); highest among the groups gnomAD compares: African/African-American, 0.004%; no homozygotes.

Submissions (2):

Labcorp Genetics (formerly Invitae), Labcorp
Classification: Uncertain significance. Last evaluated: 2025-07-23. Review status: criteria provided, single submitter. Criteria: Invitae Variant Classification Sherloc (09022015). Collection method: clinical testing. Allele origin: germline.
Comment: This sequence change replaces valine, which is neutral and non-polar, with aspartic acid, which is acidic and polar, at codon 545 of the A2ML1 protein (p.Val545Asp). This variant is present in population databases (no rsID available, gnomAD 0.01%). This variant has not been reported in the literature in individuals affected with A2ML1-related conditions. ClinVar contains an entry for this variant (Variation ID: 1776901). An algorithm developed to predict the effect of missense changes on protein structure and function (PolyPhen-2) suggests that this variant is likely to be disruptive. In summary, the available evidence is currently insufficient to determine the role of this variant in disease. Therefore, it has been classified as a Variant of Uncertain Significance.

Ambry Genetics
Classification: Uncertain significance. Last evaluated: 2025-07-03. Review status: criteria provided, single submitter. Criteria: Ambry Variant Classification Scheme 2023. Collection method: clinical testing. Allele origin: germline.